The following is an entry in ClinVar:

ClinVar aggregate classification (germline): Likely benign (1 of 4 stars; one submission).

Submissions (2):

GeneDx
Classification: Likely benign. Last evaluated: 2019-08-15. Review status: criteria provided, single submitter. Criteria: GeneDx Variant Classification Process June 2021. Collection method: clinical testing. Allele origin: germline. Affected: yes.
Comment: See Variant Classification Assertion Criteria.

Dr. Peter K. Rogan Lab, Western University
No classification provided (evidence only). Condition: Familial cancer of breast. Review status: no classification provided. Collection method: in vitro. Allele origin: not applicable. Functional consequence: retained intron. Not counted in ClinVar's aggregate classification.

NM_001405607.1(PBRM1):c.996-5del

Gene: PBRM1 (polybromo 1; minus strand). Cytogenetic location: 3p21.1.
Variant type: Deletion.
Coding change: c.996-5del on transcript NM_001405607.1 (MANE Select); 5 bases into the intron before coding-DNA position 996, one base deleted (T; older notation c.996-5delT).
Molecular consequence: intron variant.
Genome position (GRCh38, 1-based): chr3:52,642,050, A deleted on the plus strand (T on the coding strand, the reverse complement: PBRM1 is on the minus strand); the first of 13 consecutive A bases (chr3:52,642,050-52,642,062); deleting any one gives the same sequence. VCF-style (leftmost placement, unchanged base first): chr3-52642049-CA-C. GRCh37 (hg19) VCF-style: chr3-52676065-CA-C.
Other names: NC_000003.11:g.52676078del; c.879-5del (NM_001405597.1); c.927-5del (NM_001405595.1); c.897-5del (NM_001405560.1, NM_001405642.1); c.900-5del (NM_001405602.1, NM_001405599.1, NM_001405604.1 and 7 more transcripts); c.996-5del (NM_001405576.1, NM_001394877.1, NM_001394873.1 and 77 more transcripts); c.1104-5del (NM_001405554.1); c.1023-5del (NM_001405569.1, NM_001405580.1, NM_001405568.1 and 4 more transcripts); and 13 more.
Identifiers: ClinVar variation 4288315 (VCV004288315.2).